The following is an entry in ClinVar:

ClinVar aggregate classification (germline): Pathogenic (1 of 4 stars; one submission).

Conditions:
Rubinstein-Taybi syndrome due to EP300 haploinsufficiency. Also called: EP300-Related Rubinstein-Taybi Syndrome; RUBINSTEIN-TAYBI SYNDROME 2. Identifiers: Orphanet 353284, Orphanet 783, MedGen C3150941, MONDO:0013364, OMIM 613684.

Submission:

Juno Genomics, Hangzhou Juno Genomics, Inc
Classification: Pathogenic for Rubinstein-Taybi syndrome due to EP300 haploinsufficiency. Review status: criteria provided, single submitter. Criteria: ACMG Guidelines, 2015. Collection method: clinical testing. Allele origin: germline. Affected: yes.
Comment: Absent from controls (or at extremely low frequency if recessive) in Genome Aggregation Database.;Null variant in a gene where loss of function (LOF) is a known mechanism of disease.;De novo (both maternity and paternity confirmed) in a patient with the disease and no family history.

NM_001429.4(EP300):c.382C>T (p.Gln128Ter)

Gene: EP300 (EP300 lysine acetyltransferase; plus strand). Cytogenetic location: 22q13.2.
Variant type: single nucleotide variant.
Coding change: c.382C>T on transcript NM_001429.4 (MANE Select); coding-DNA position 382, C replaced by T.
Protein change: p.Gln128Ter; replaces glutamine 128 with a stop codon.
Molecular consequence: nonsense.
Genome position (GRCh38, 1-based): chr22:41,117,474, C>T. VCF-style: chr22-41117474-C-T. GRCh37 (hg19) VCF-style: chr22-41513478-C-T.
Other names: c.382C>T, p.Gln128Ter (NM_001362843.2); short protein forms Q128*.
Identifiers: ClinVar variation 5019130 (VCV005019130.1).